The following is an entry in ClinVar:

NM_001369.3(DNAH5):c.2939C>A (p.Ala980Asp)

Genes: DNAH5 (dynein axonemal heavy chain 5; minus strand), DNAH5-AS1 (DNAH5 antisense RNA 1; plus strand). Cytogenetic location: 5p15.2.
Variant type: single nucleotide variant.
Coding change: c.2939C>A on transcript NM_001369.3 (MANE Select); coding-DNA position 2939, C replaced by A.
Protein change: p.Ala980Asp; replaces alanine 980 with aspartic acid.
Molecular consequence: missense variant.
Genome position (GRCh38, 1-based): chr5:13,885,033, G>T on the plus strand (C>A on the coding strand, the complement: DNAH5 is on the minus strand). VCF-style: chr5-13885033-G-T. GRCh37 (hg19) VCF-style: chr5-13885142-G-T.
Other names: short protein forms A980D.
Identifiers: ClinVar variation 1450948 (VCV001450948.6), dbSNP rs2151941469, ClinGen allele CA359195096.

ClinVar aggregate classification (germline): Uncertain significance (1 of 4 stars; one submission).

Conditions:
Primary ciliary dyskinesia. Also called: Ciliary dyskinesia. Identifiers: Orphanet 244, MedGen C0008780, MONDO:0016575, HP:0012265.

Submission:

Labcorp Genetics (formerly Invitae), Labcorp
Classification: Uncertain significance for Primary ciliary dyskinesia. Last evaluated: 2022-06-05. Review status: criteria provided, single submitter. Criteria: Invitae Variant Classification Sherloc (09022015). Collection method: clinical testing. Allele origin: germline.
Comment: This sequence change replaces alanine, which is neutral and non-polar, with aspartic acid, which is acidic and polar, at codon 980 of the DNAH5 protein (p.Ala980Asp). This variant is not present in population databases (gnomAD no frequency). This variant has not been reported in the literature in individuals affected with DNAH5-related conditions. ClinVar contains an entry for this variant (Variation ID: 1450948). Advanced modeling of protein sequence and biophysical properties (such as structural, functional, and spatial information, amino acid conservation, physicochemical variation, residue mobility, and thermodynamic stability) performed at Invitae indicates that this missense variant is not expected to disrupt DNAH5 protein function. In summary, the available evidence is currently insufficient to determine the role of this variant in disease. Therefore, it has been classified as a Variant of Uncertain Significance.